The following is an entry in ClinVar:

NM_000540.3(RYR1):c.3849G>A (p.Val1283=)

Gene: RYR1 (ryanodine receptor 1; plus strand). Cytogenetic location: 19q13.2.
Variant type: single nucleotide variant.
Coding change: c.3849G>A on transcript NM_000540.3 (MANE Select); coding-DNA position 3849, G replaced by A.
Protein change: p.Val1283=; no amino-acid change (valine 1283 retained).
Molecular consequence: synonymous variant.
Genome position (GRCh38, 1-based): chr19:38,473,460, G>A. VCF-style: chr19-38473460-G-A. GRCh37 (hg19) VCF-style: chr19-38964100-G-A.
Other names: c.3849G>A, p.Val1283= (NM_001042723.2).
Identifiers: ClinVar variation 696900 (VCV000696900.12), dbSNP rs779111292, ClinGen allele CA065257.

ClinVar aggregate classification (germline): Likely benign. Review status: criteria provided, multiple submitters, no conflicts (2 of 4 stars). 4 submissions from 4 submitters: Likely benign (3). 1 of the submissions does not count toward it. Last evaluated 2025-12-11.

Conditions:
Malignant hyperthermia, susceptibility to, 1 (MHS1). Also called: Anesthesia related hyperthermia; Malignant hyperpyrexia; Fulminating hyperpyrexia; Pharmacogenic myopathy; Malignant hyperthermia suceptibility 1; RYR1-Related Malignant Hyperthermia Susceptibility. Identifiers: Orphanet 423, MedGen C2930980, MONDO:0007783, OMIM 145600.
RYR1-related disorder. Also called: RYR1-related condition; RYR1-related disorders. Identifiers: MedGen CN239331.

Allele frequency attached by ClinVar (database versions not stated): gnomAD 0.00002; gnomAD exomes 0.00002 and 0.00005; TOPMed 0.00002; ExAC 0.00003.
gnomAD v4.1: 73 of 1,613,854 alleles (0.0045%); highest among the groups gnomAD compares: Non-Finnish European, 0.006%; no homozygotes.

Submissions (4):

Labcorp Genetics (formerly Invitae), Labcorp
Classification: Likely benign for RYR1-related disorder. Last evaluated: 2025-12-11. Review status: criteria provided, single submitter. Criteria: Invitae Variant Classification Sherloc (09022015). Collection method: clinical testing. Allele origin: germline.

All of Us Research Program, National Institutes of Health
Classification: Likely benign for Malignant hyperthermia, susceptibility to, 1. Last evaluated: 2023-12-13. Review status: criteria provided, single submitter. Criteria: ACMG Guidelines, 2015. Collection method: clinical testing. Allele origin: germline. Inheritance: Autosomal dominant inheritance. Observed: 3 variant alleles, 3 heterozygotes.
Comment: This variant is located in the RYR1 protein. To our knowledge, functional studies have not been reported for this variant. This variant has not been reported in individuals affected with RYR1-related disorders in the literature. This variant has been identified in 6/249882 chromosomes in the general population by the Genome Aggregation Database (gnomAD). The available evidence is insufficient to determine the role of this variant in disease conclusively. Therefore, this variant is classified as a Variant of Uncertain Significance.

This study involves interpretation of variants in research participants for the purpose of population health screening. Participant phenotype was not available at the time of variant classification. Additional details can be found in publication PMID: 35346344, PMCID: PMC8962531

Color Diagnostics, LLC DBA Color Health
Classification: Likely benign for Malignant hyperthermia, susceptibility to, 1. Last evaluated: 2023-05-08. Review status: criteria provided, single submitter. Criteria: ACMG Guidelines, 2015. Collection method: clinical testing. Allele origin: germline.

PreventionGenetics, part of Exact Sciences
Classification: Likely benign for RYR1-related condition. Last evaluated: 2024-02-27. Review status: no assertion criteria provided. Collection method: clinical testing. Allele origin: germline. Not counted in ClinVar's aggregate classification.
Comment: This variant is classified as likely benign based on ACMG/AMP sequence variant interpretation guidelines (Richards et al. 2015 PMID: 25741868, with internal and published modifications).